The following is an entry in ClinVar:

ClinVar aggregate classification (germline): Likely pathogenic (1 of 4 stars; one submission).

Submission:

Athena Diagnostics
Classification: Likely pathogenic. Last evaluated: 2019-07-22. Review status: criteria provided, single submitter. Criteria: Athena Diagnostics Criteria. Collection method: clinical testing. Allele origin: germline.
Comment: The variant results in a shift of the reading frame, and is therefore predicted to result in the loss of a functional protein. Not found in the total gnomAD dataset, and the data is high quality (0/282808 chr).

NM_000088.4(COL1A1):c.1884del (p.Gly629fs)

Gene: COL1A1 (collagen type I alpha 1 chain; minus strand). Cytogenetic location: 17q21.33.
Variant type: Deletion.
Coding change: c.1884del on transcript NM_000088.4 (MANE Select); coding-DNA position 1884, one base deleted (T; older notation c.1884delT).
Protein change: p.Gly629fs; shifts the reading frame from glycine 629.
Molecular consequence: frameshift variant.
Genome position (GRCh38, 1-based): chr17:50,192,685, A deleted on the plus strand (T on the coding strand, the reverse complement: COL1A1 is on the minus strand). VCF-style (leftmost placement, unchanged base first): chr17-50192684-CA-C. GRCh37 (hg19) VCF-style: chr17-48270045-CA-C.
Other names: short protein forms G629fs.
Identifiers: ClinVar variation 804565 (VCV000804565.1), dbSNP rs1598293710, ClinGen allele CA915950609.